The following is an entry in ClinVar:

NM_001145026.2(PTPRQ):c.4373G>A (p.Gly1458Asp)

Gene: PTPRQ (protein tyrosine phosphatase receptor type Q; plus strand). Cytogenetic location: 12q21.31.
Variant type: single nucleotide variant.
Coding change: c.4373G>A on transcript NM_001145026.2 (MANE Select); coding-DNA position 4373, G replaced by A.
Protein change: p.Gly1458Asp; replaces glycine 1458 with aspartic acid.
Molecular consequence: missense variant.
Genome position (GRCh38, 1-based): chr12:80,588,216, G>A. VCF-style: chr12-80588216-G-A. GRCh37 (hg19) VCF-style: chr12-80981995-G-A.
Other names: short protein forms G1458D.
Identifiers: ClinVar variation 2578284 (VCV002578284.1), dbSNP rs962750885, ClinGen allele CA240609710.

ClinVar aggregate classification (germline): Uncertain significance (1 of 4 stars; one submission).

Allele frequency attached by ClinVar (database versions not stated): TOPMed below 0.00001; gnomAD 0.00001; gnomAD exomes 0.00001.
gnomAD v4.1: 9 of 1,551,354 alleles (0.00058%); highest among the groups gnomAD compares: Admixed American, 0.012%; no homozygotes.

Submission:

GeneDx
Classification: Uncertain significance. Last evaluated: 2023-03-02. Review status: criteria provided, single submitter. Criteria: GeneDx Variant Classification Process June 2021. Collection method: clinical testing. Allele origin: germline. Affected: yes.
Comment: Not observed at significant frequency in large population cohorts (gnomAD); In silico analysis supports that this missense variant has a deleterious effect on protein structure/function; Has not been previously published as pathogenic or benign to our knowledge